The following is an entry in ClinVar:

ClinVar aggregate classification (germline): Likely benign (1 of 4 stars; one submission).

Allele frequency attached by ClinVar (database versions not stated): gnomAD exomes below 0.00001.

Submission:

GeneDx
Classification: Likely benign. Last evaluated: 2017-11-22. Review status: criteria provided, single submitter. Criteria: GeneDx Variant Classification (06012015). Collection method: clinical testing. Allele origin: germline. Affected: yes.
Comment: This variant is considered likely benign or benign based on one or more of the following criteria: it is a conservative change, it occurs at a poorly conserved position in the protein, it is predicted to be benign by multiple in silico algorithms, and/or has population frequency not consistent with disease.

NM_001267550.2(TTN):c.28648G>C (p.Val9550Leu)

Gene: TTN (titin; minus strand). Cytogenetic location: 2q31.2.
Variant type: single nucleotide variant.
Coding change: c.28648G>C on transcript NM_001267550.2 (MANE Select); coding-DNA position 28648, G replaced by C.
Protein change: p.Val9550Leu; replaces valine 9550 with leucine.
Molecular consequence: missense variant. On other transcripts: intron variant (3).
Genome position (GRCh38, 1-based): chr2:178,709,671, C>G on the plus strand (G>C on the coding strand, the complement: TTN is on the minus strand). VCF-style: chr2-178709671-C-G. GRCh37 (hg19) VCF-style: chr2-179574398-C-G.
Other names: c.27697G>C, p.Val9233Leu (NM_001256850.1); c.24916G>C, p.Val8306Leu (NM_133378.4); c.13282+28411G>C (NM_003319.4); c.13858+28411G>C (NM_133437.4); c.13657+28411G>C (NM_133432.3); short protein forms V9233L, V9550L, V8306L.
Identifiers: ClinVar variation 513795 (VCV000513795.1), dbSNP rs879094573, ClinGen allele CA349590954.